The following is an entry in ClinVar:

ClinVar aggregate classification (germline): Uncertain significance. Review status: criteria provided, multiple submitters, no conflicts (2 of 4 stars). 3 submissions from 3 submitters: Uncertain significance (3). Last evaluated 2023-02-23.

Conditions:
Inborn genetic diseases. Identifiers: MedGen C0950123, MeSH D030342.
Hermansky-Pudlak syndrome 3 (HPS3). Identifiers: Orphanet 231512, Orphanet 79430, MedGen C3888001, MONDO:0013555, OMIM 614072.

Allele frequency attached by ClinVar (database versions not stated): TOPMed 0.00001.
gnomAD v4.1: 17 of 1,610,218 alleles (0.0011%); highest among the groups gnomAD compares: African/African-American, 0.0053%; no homozygotes.

Submissions (3):

Ambry Genetics
Classification: Uncertain significance for Inborn genetic diseases. Last evaluated: 2023-02-23. Review status: criteria provided, single submitter. Criteria: Ambry Variant Classification Scheme 2023. Collection method: clinical testing. Allele origin: germline.

Labcorp Genetics (formerly Invitae), Labcorp
Classification: Uncertain significance. Last evaluated: 2021-09-01. Review status: criteria provided, single submitter. Criteria: Invitae Variant Classification Sherloc (09022015). Collection method: clinical testing. Allele origin: germline.
Comment: This sequence change replaces glutamic acid with lysine at codon 603 of the HPS3 protein (p.Glu603Lys). The glutamic acid residue is weakly conserved and there is a small physicochemical difference between glutamic acid and lysine. This variant is present in population databases (rs143804526, ExAC 0.002%). This variant has not been reported in the literature in individuals affected with HPS3-related conditions. Algorithms developed to predict the effect of missense changes on protein structure and function are either unavailable or do not agree on the potential impact of this missense change (SIFT: "Tolerated"; PolyPhen-2: "Probably Damaging"; Align-GVGD: "Class C0"). In summary, the available evidence is currently insufficient to determine the role of this variant in disease. Therefore, it has been classified as a Variant of Uncertain Significance.

Illumina Laboratory Services, Illumina
Classification: Uncertain significance for Hermansky-Pudlak syndrome 3. Last evaluated: 2018-01-13. Review status: criteria provided, single submitter. Criteria: ICSL Variant Classification Criteria 13 December 2019. Collection method: clinical testing. Allele origin: germline.

NM_032383.5(HPS3):c.1807G>A (p.Glu603Lys)

Gene: HPS3 (HPS3 biogenesis of lysosomal organelles complex 2 subunit 1; plus strand). Cytogenetic location: 3q24.
Variant type: single nucleotide variant.
Coding change: c.1807G>A on transcript NM_032383.5 (MANE Select); coding-DNA position 1807, G replaced by A.
Protein change: p.Glu603Lys; replaces glutamic acid 603 with lysine.
Molecular consequence: missense variant.
Genome position (GRCh38, 1-based): chr3:149,158,781, G>A. VCF-style: chr3-149158781-G-A. GRCh37 (hg19) VCF-style: chr3-148876568-G-A.
Other names: c.1312G>A, p.Glu438Lys (NM_001308258.2); short protein forms E603K, E438K.
Identifiers: ClinVar variation 902309 (VCV000902309.10), dbSNP rs143804526, ClinGen allele CA2660185.